The following is an entry in ClinVar:

ClinVar aggregate classification (germline): Uncertain significance (1 of 4 stars; one submission).

Submission:

Labcorp Genetics (formerly Invitae), Labcorp
Classification: Uncertain significance. Last evaluated: 2023-12-18. Review status: criteria provided, single submitter. Criteria: Invitae Variant Classification Sherloc (09022015). Collection method: clinical testing. Allele origin: germline.
Comment: This variant is a gross deletion of the genomic region encompassing exon(s) 3 of the CEP19 gene, which includes the termination codon. This deletion extends beyond the assayed region for this gene and therefore may encompass additional genes. While this deletion is not anticipated to lead to nonsense mediated decay, it is expected to alter mRNA translation or result in a truncated protein product. This variant has not been reported in the literature in individuals affected with CEP19-related conditions. Experimental studies and prediction algorithms are not available or were not evaluated, and the functional significance of this variant is currently unknown. In summary, the available evidence is currently insufficient to determine the role of this variant in disease. Therefore, it has been classified as a Variant of Uncertain Significance.

NC_000003.11:g.(?_196434422)_(196434803_?)dup

Gene: CEP19 (centrosomal protein 19; minus strand). Cytogenetic location: 3q29.
Variant type: Duplication.
Identifiers: ClinVar variation 2427083 (VCV002427083.4).